The following is an entry in ClinVar:

ClinVar aggregate classification (germline): Uncertain significance. Review status: criteria provided, multiple submitters, no conflicts (2 of 4 stars). 2 submissions from 2 submitters: Uncertain significance (2). Last evaluated 2025-08-02.

Conditions:
Inborn genetic diseases. Identifiers: MedGen C0950123, MeSH D030342.
Spastic paraplegia. Identifiers: MedGen C0037772, HP:0001258.

Allele frequency attached by ClinVar (database versions not stated): ExAC 0.00001; gnomAD exomes 0.00001 and 0.00003; gnomAD 0.00007 and 0.00008; TOPMed 0.00014; ESP Exome Variant Server 0.00015; 1000 Genomes Project 30x 0.00016.
gnomAD v4.1: 20 of 1,602,236 alleles (0.0012%); highest among the groups gnomAD compares: African/African-American, 0.019%; no homozygotes.

Submissions (2):

Ambry Genetics
Classification: Uncertain significance for Inborn genetic diseases. Last evaluated: 2025-08-02. Review status: criteria provided, single submitter. Criteria: Ambry Variant Classification Scheme 2023. Collection method: clinical testing. Allele origin: germline.

Labcorp Genetics (formerly Invitae), Labcorp
Classification: Uncertain significance for Spastic paraplegia. Last evaluated: 2022-08-31. Review status: criteria provided, single submitter. Criteria: Invitae Variant Classification Sherloc (09022015). Collection method: clinical testing. Allele origin: germline.
Comment: In summary, the available evidence is currently insufficient to determine the role of this variant in disease. Therefore, it has been classified as a Variant of Uncertain Significance. Algorithms developed to predict the effect of missense changes on protein structure and function (SIFT, PolyPhen-2, Align-GVGD) all suggest that this variant is likely to be disruptive. ClinVar contains an entry for this variant (Variation ID: 1475713). This variant has not been reported in the literature in individuals affected with CYP2U1-related conditions. This variant is present in population databases (rs147277678, gnomAD 0.03%). This sequence change replaces glycine, which is neutral and non-polar, with arginine, which is basic and polar, at codon 472 of the CYP2U1 protein (p.Gly472Arg).

NM_183075.3(CYP2U1):c.1414G>A (p.Gly472Arg)

Gene: CYP2U1 (cytochrome P450 family 2 subfamily U member 1; plus strand). Cytogenetic location: 4q25.
Variant type: single nucleotide variant.
Coding change: c.1414G>A on transcript NM_183075.3 (MANE Select); coding-DNA position 1414, G replaced by A.
Protein change: p.Gly472Arg; replaces glycine 472 with arginine.
Molecular consequence: missense variant.
Genome position (GRCh38, 1-based): chr4:107,949,475, G>A. VCF-style: chr4-107949475-G-A. GRCh37 (hg19) VCF-style: chr4-108870631-G-A.
Other names: c.1414G>A (NM_183075.2); short protein forms G472R.
Identifiers: ClinVar variation 1475713 (VCV001475713.9), dbSNP rs147277678, ClinGen allele CA3037199.